The following is an entry in ClinVar:

ClinVar aggregate classification (germline): Conflicting classifications of pathogenicity. Review status: criteria provided, conflicting classifications (1 of 4 stars). 4 submissions from 4 submitters: Uncertain significance (1); Benign (1); Likely benign (2). Last evaluated 2025-07-30.

Conditions:
Hereditary cancer-predisposing syndrome. Also called: Tumor predisposition; Neoplastic Syndromes, Hereditary; Hereditary neoplastic syndrome; Hereditary Cancer Syndrome. Identifiers: Orphanet 140162, MedGen C0027672, MeSH D009386, MONDO:0015356.
Nijmegen breakage syndrome-like disorder (NBSLD). Also called: MICROCEPHALY AND SPONTANEOUS CHROMOSOME INSTABILITY WITHOUT IMMUNODEFICIENCY; NBS-LIKE DISORDER; RAD50 DEFICIENCY. Identifiers: Orphanet 240760, MedGen C2751318, MONDO:0013118, OMIM 613078.

Allele frequency attached by ClinVar (database versions not stated): ExAC 0.00001; gnomAD 0.00001; gnomAD exomes 0.00001; TOPMed 0.00001.
gnomAD v4.1: 4 of 1,602,112 alleles (0.00025%); highest among the groups gnomAD compares: Admixed American, 0.0033%; no homozygotes.

Submissions (4):

Labcorp Genetics (formerly Invitae), Labcorp
Classification: Likely benign for Hereditary cancer-predisposing syndrome. Last evaluated: 2025-07-30. Review status: criteria provided, single submitter. Criteria: Invitae Variant Classification Sherloc (09022015). Collection method: clinical testing. Allele origin: germline.

KCCC/NGS Laboratory, Kuwait Cancer Control Center
Classification: Benign for Nijmegen breakage syndrome-like disorder. Last evaluated: 2025-02-01. Review status: criteria provided, single submitter. Criteria: ACMG Guidelines, 2015. Collection method: clinical testing. Allele origin: germline. Affected: no.

Quest Diagnostics Nichols Institute San Juan Capistrano
Classification: Uncertain significance. Last evaluated: 2023-09-01. Review status: criteria provided, single submitter. Criteria: Quest Diagnostics criteria. Collection method: clinical testing. Allele origin: unknown.
Comment: To the best of our knowledge, this variant has not been reported in the published literature. The frequency of this variant in the general population, 0.000008 (2/251356 chromosomes (Genome Aggregation Database)), is uninformative in the assessment of its pathogenicity. Analysis of this variant using software algorithms for the prediction of the effect of nucleotide changes on splicing yielded predictions that this variant does not affect RAD50 mRNA splicing . Based on the available information, we are unable to determine the clinical significance of this variant.

Ambry Genetics
Classification: Likely benign for Hereditary cancer-predisposing syndrome. Last evaluated: 2016-01-22. Review status: criteria provided, single submitter. Criteria: Ambry Variant Classification Scheme 2023. Collection method: clinical testing. Allele origin: germline.

NM_005732.4(RAD50):c.255A>G (p.Gln85=)

Gene: RAD50 (RAD50 double strand break repair protein; plus strand). Cytogenetic location: 5q31.1.
Variant type: single nucleotide variant.
Coding change: c.255A>G on transcript NM_005732.4 (MANE Select); coding-DNA position 255, A replaced by G.
Protein change: p.Gln85=; no amino-acid change (glutamine 85 retained).
Molecular consequence: synonymous variant.
Genome position (GRCh38, 1-based): chr5:132,575,818, A>G. VCF-style: chr5-132575818-A-G. GRCh37 (hg19) VCF-style: chr5-131911510-A-G.
Identifiers: ClinVar variation 414932 (VCV000414932.18), dbSNP rs761802581, ClinGen allele CA3404946.